The following is an entry in ClinVar:

ClinVar aggregate classification (germline): Likely benign (0 of 4 stars; one submission).

Conditions:
MIPEP-related disorder. Also called: MIPEP-related condition.

gnomAD v4.1: 15 of 1,613,840 alleles (0.00093%); highest among the groups gnomAD compares: East Asian, 0.0067%; no homozygotes.

Submission:

PreventionGenetics, part of Exact Sciences
Classification: Likely benign for MIPEP-related condition. Last evaluated: 2019-03-25. Review status: no assertion criteria provided. Collection method: clinical testing. Allele origin: germline.
Comment: This variant is classified as likely benign based on ACMG/AMP sequence variant interpretation guidelines (Richards et al. 2015 PMID: 25741868, with internal and published modifications).

NM_005932.4(MIPEP):c.1833A>G (p.Pro611=)

Gene: MIPEP (mitochondrial intermediate peptidase; minus strand). Cytogenetic location: 13q12.12.
Variant type: single nucleotide variant.
Coding change: c.1833A>G on transcript NM_005932.4 (MANE Select); coding-DNA position 1833, A replaced by G.
Protein change: p.Pro611=; no amino-acid change (proline 611 retained).
Molecular consequence: synonymous variant.
Genome position (GRCh38, 1-based): chr13:23,805,965, T>C on the plus strand (A>G on the coding strand, the complement: MIPEP is on the minus strand). VCF-style: chr13-23805965-T-C. GRCh37 (hg19) VCF-style: chr13-24380104-T-C.
Identifiers: ClinVar variation 3058795 (VCV003058795.2), dbSNP rs146834617, ClinGen allele CA6912854.